The following is an entry in ClinVar:

ClinVar aggregate classification (germline): Likely benign (1 of 4 stars; one submission).

Submission:

CeGaT Center for Human Genetics Tuebingen
Classification: Likely benign. Last evaluated: 2024-03-01. Review status: criteria provided, single submitter. Criteria: CeGaT Center For Human Genetics Tuebingen Variant Classification Criteria Version 2. Collection method: clinical testing. Allele origin: germline. Affected: yes. Observed: 1 variant allele.
Comment: B3GLCT: PM2:Supporting, BP4, BP7

NM_194318.4(B3GLCT):c.291C>A (p.Leu97=)

Gene: B3GLCT (beta 3-glucosyltransferase; plus strand). Cytogenetic location: 13q12.3.
Variant type: single nucleotide variant.
Coding change: c.291C>A on transcript NM_194318.4 (MANE Select); coding-DNA position 291, C replaced by A.
Protein change: p.Leu97=; no amino-acid change (leucine 97 retained).
Molecular consequence: synonymous variant.
Genome position (GRCh38, 1-based): chr13:31,247,043, C>A. VCF-style: chr13-31247043-C-A. GRCh37 (hg19) VCF-style: chr13-31821180-C-A.
Identifiers: ClinVar variation 3067718 (VCV003067718.21), dbSNP rs932935933, ClinGen allele CA483256893.
Genomic context (GRCh38, chr13:31,247,043, plus strand): 5'-GTCAATTCATACTTATCTTCTTTGATCATTGTTTTCTCAGGAGCTCCCCAGTGTCCTCCT[C>A]CTTCATCAGCTGGCTAAACAAGAAGGTGCATGGACCATACTTCCGTTGTTACCGCAGTAC-3'
Protein context (NP_919299.3, residues 87-107): DLTQELPSVL[Leu97=]LHQLAKQEGA